The following is an entry in ClinVar:

NM_015836.4(WARS2):c.483A>G (p.Pro161=)

Gene: WARS2 (tryptophanyl tRNA synthetase 2, mitochondrial; minus strand). Cytogenetic location: 1p12.
Variant type: single nucleotide variant.
Coding change: c.483A>G on transcript NM_015836.4 (MANE Select); coding-DNA position 483, A replaced by G.
Protein change: p.Pro161=; no amino-acid change (proline 161 retained).
Molecular consequence: synonymous variant. On other transcripts: intron variant (1).
Genome position (GRCh38, 1-based): chr1:119,042,296, T>C on the plus strand (A>G on the coding strand, the complement: WARS2 is on the minus strand). VCF-style: chr1-119042296-T-C. GRCh37 (hg19) VCF-style: chr1-119584919-T-C.
Other names: c.414A>G, p.Pro138= (NM_001378226.1, NM_001378227.1); c.312A>G, p.Pro104= (NM_001378228.1); c.225A>G, p.Pro75= (NM_001378229.1); c.201A>G, p.Pro67= (NM_001378230.1); c.483A>G, p.Pro161= (NM_201263.2); c.429+3286A>G (NM_001378231.1).
Identifiers: ClinVar variation 715849 (VCV000715849.12), dbSNP rs149281638, ClinGen allele CA1035307.
Genomic context (GRCh38, chr1:119,042,296, plus strand): 5'-ATAAGACTGGGCTGAACTCTCTTCTTACTTGTACAACAGAATGTCGGCTGCCTGGAGTAC[T>C]GGGTATGTGAGCAGGCCCACCGTGCCATCGTGCTTCTGCTTGGTAGTCTTTGCCTGTGAG-3'
Protein context (NP_056651.1, residues 151-171): HDGTVGLLTY[Pro161=]VLQAADILLY

ClinVar aggregate classification (germline): Benign/Likely benign. Review status: criteria provided, multiple submitters, no conflicts (2 of 4 stars). 3 submissions from 3 submitters: Benign (1); Likely benign (1). 1 of the submissions does not count toward it. Last evaluated 2026-02-03.

Conditions:
WARS2-related disorder. Also called: WARS2-related disorders; WARS2 related condition.

Allele frequency attached by ClinVar (database versions not stated): gnomAD exomes 0.00024 and 0.00061; ExAC 0.00072; 1000 Genomes Project 30x 0.00187; gnomAD 0.00205 and 0.00226; 1000 Genomes Project 0.00220; ESP Exome Variant Server 0.00246; TOPMed 0.00263.
gnomAD v4.1: 673 of 1,613,922 alleles (0.042%); highest among the groups gnomAD compares: African/African-American, 0.81%; 2 homozygotes.

Submissions (3):

Labcorp Genetics (formerly Invitae), Labcorp
Classification: Benign. Last evaluated: 2026-02-03. Review status: criteria provided, single submitter. Criteria: Invitae Variant Classification Sherloc (09022015). Collection method: clinical testing. Allele origin: germline.

Blueprint Genetics
Classification: Likely benign. Last evaluated: 2022-06-03. Review status: criteria provided, single submitter. Criteria: ACMG Guidelines, 2015. Collection method: clinical testing. Allele origin: germline.

PreventionGenetics, part of Exact Sciences
Classification: Likely benign for WARS2-related condition. Last evaluated: 2020-02-17. Review status: no assertion criteria provided. Collection method: clinical testing. Allele origin: germline. Not counted in ClinVar's aggregate classification.
Comment: This variant is classified as likely benign based on ACMG/AMP sequence variant interpretation guidelines (Richards et al. 2015 PMID: 25741868, with internal and published modifications).